The following is an entry in ClinVar:

NC_000021.8:g.(?_47401765)_(47705200_?)del

Genes: MCM3AP (minichromosome maintenance complex component 3 associated protein; minus strand), SPATC1L (spermatogenesis and centriole associated 1 like; minus strand), COL6A1 (collagen type VI alpha 1 chain; plus strand), COL6A2 (collagen type VI alpha 2 chain; plus strand), FTCD (formimidoyltransferase cyclodeaminase; minus strand) and 1 more. Cytogenetic location: 21q22.3.
Variant type: Deletion.
Identifiers: ClinVar variation 1455754 (VCV001455754.5).

ClinVar aggregate classification (germline): Pathogenic (1 of 4 stars; one submission).

Submission:

Labcorp Genetics (formerly Invitae), Labcorp
Classification: Pathogenic. Last evaluated: 2022-10-05. Review status: criteria provided, single submitter. Criteria: Invitae Variant Classification Sherloc (09022015). Collection method: clinical testing. Allele origin: germline.
Comment: A gross deletion of the genomic region encompassing the full coding sequence of the MCM3AP gene has been identified. Loss-of-function variants in MCM3AP are known to be pathogenic (PMID: 28633435). The boundaries of this event are unknown as they extend beyond the assayed region for this gene and therefore may encompass additional genes. This variant has not been reported in the literature in individuals affected with MCM3AP-related conditions. For these reasons, this variant has been classified as Pathogenic.

Literature cited by the submitters: PubMed 28633435.